The following is an entry in ClinVar:

ClinVar aggregate classification (germline): Uncertain significance (1 of 4 stars; one submission).

Submission:

GeneDx
Classification: Uncertain significance. Last evaluated: 2026-03-18. Review status: criteria provided, single submitter. Criteria: GeneDx Variant Classification Process June 2021. Collection method: clinical testing. Allele origin: germline.
Comment: Not observed at significant frequency in large population cohorts (gnomAD); In silico analysis supports that this missense variant has a deleterious effect on protein structure/function; Has not been previously published as pathogenic or benign to our knowledge

NM_078629.4(MSL3):c.1526A>C (p.Glu509Ala)

Gene: MSL3 (MSL complex subunit 3; plus strand). Cytogenetic location: Xp22.2.
Variant type: single nucleotide variant.
Coding change: c.1526A>C on transcript NM_078629.4 (MANE Select); coding-DNA position 1526, A replaced by C.
Protein change: p.Glu509Ala; replaces glutamic acid 509 with alanine.
Molecular consequence: missense variant.
Genome position (GRCh38, 1-based): chrX:11,775,039, A>C. VCF-style: chrX-11775039-A-C. GRCh37 (hg19) VCF-style: chrX-11793158-A-C.
Other names: c.1490A>C, p.Glu497Ala (NM_001193270.2); c.1079A>C, p.Glu360Ala (NM_001282174.1); c.1028A>C, p.Glu343Ala (NM_006800.4); short protein forms E343A, E509A, E360A, E497A.
Identifiers: ClinVar variation 5009224 (VCV005009224.1).